The following is an entry in ClinVar:

ClinVar aggregate classification (germline): Uncertain significance. Review status: criteria provided, multiple submitters, no conflicts (2 of 4 stars). 2 submissions from 2 submitters: Uncertain significance (2). Last evaluated 2025-08-21.

Conditions:
Inborn genetic diseases. Identifiers: MedGen C0950123, MeSH D030342.

Submissions (2):

Ambry Genetics
Classification: Uncertain significance for Inborn genetic diseases. Last evaluated: 2025-08-21. Review status: criteria provided, single submitter. Criteria: Ambry Variant Classification Scheme 2023. Collection method: clinical testing. Allele origin: germline.

Labcorp Genetics (formerly Invitae), Labcorp
Classification: Uncertain significance. Last evaluated: 2021-12-29. Review status: criteria provided, single submitter. Criteria: Invitae Variant Classification Sherloc (09022015). Collection method: clinical testing. Allele origin: germline.
Comment: In summary, the available evidence is currently insufficient to determine the role of this variant in disease. Therefore, it has been classified as a Variant of Uncertain Significance. Algorithms developed to predict the effect of missense changes on protein structure and function output the following: SIFT: "Tolerated"; PolyPhen-2: "Benign"; Align-GVGD: "Class C0". The asparagine amino acid residue is found in multiple mammalian species, which suggests that this missense change does not adversely affect protein function. This variant has not been reported in the literature in individuals affected with DMXL2-related conditions. This variant is not present in population databases (gnomAD no frequency). This sequence change replaces aspartic acid, which is acidic and polar, with asparagine, which is neutral and polar, at codon 427 of the DMXL2 protein (p.Asp427Asn).

NM_001378457.1(DMXL2):c.1279G>A (p.Asp427Asn)

Gene: DMXL2 (Dmx like 2; minus strand). Cytogenetic location: 15q21.2.
Variant type: single nucleotide variant.
Coding change: c.1279G>A on transcript NM_001378457.1 (MANE Select); coding-DNA position 1279, G replaced by A.
Protein change: p.Asp427Asn; replaces aspartic acid 427 with asparagine.
Molecular consequence: missense variant. On other transcripts: non-coding transcript variant (2), intron variant (1).
Genome position (GRCh38, 1-based): chr15:51,538,279, C>T on the plus strand (G>A on the coding strand, the complement: DMXL2 is on the minus strand). VCF-style: chr15-51538279-C-T. GRCh37 (hg19) VCF-style: chr15-51830476-C-T.
Other names: c.1279G>A, p.Asp427Asn (NM_001174116.3, NM_001174117.3, NM_001378458.1 and 6 more transcripts); c.1106-520G>A (NM_001378464.1); c.1279G>A (NM_001174116.1); short protein forms D427N.
Identifiers: ClinVar variation 2065409 (VCV002065409.5), dbSNP rs2548614505, ClinGen allele CA392468002.